The following is an entry in ClinVar:

ClinVar aggregate classification (germline): Conflicting classifications of pathogenicity. Review status: criteria provided, conflicting classifications (1 of 4 stars). 3 submissions from 3 submitters: Uncertain significance (2); Likely benign (1). Last evaluated 2024-10-01.

Conditions:
Inborn genetic diseases. Identifiers: MedGen C0950123, MeSH D030342.
Muscular dystrophy-dystroglycanopathy (congenital with impaired intellectual development), type B, 2. Also called: Muscular dystrophy-dystroglycanopathy (congenital with intellectual disability), type B2; MUSCULAR DYSTROPHY, CONGENITAL, POMT2-RELATED. Identifiers: MedGen C3150416, MONDO:0013160, OMIM 613156.
Autosomal recessive limb-girdle muscular dystrophy type 2N. Also called: Muscular dystrophy-dystroglycanopathy (limb-girdle), type C, 2; MUSCULAR DYSTROPHY-DYSTROGLYCANOPATHY, LIMB-GIRDLE, POMT2-RELATED. Identifiers: Orphanet 206559, MedGen C3150418, MONDO:0013162, OMIM 613158.
Muscular dystrophy-dystroglycanopathy (congenital with brain and eye anomalies), type A2. Also called: MUSCULAR DYSTROPHY-DYSTROGLYCANOPATHY (CONGENITAL WITH BRAIN AND EYE ANOMALIES), TYPE A, 2; WALKER-WARBURG SYNDROME OR MUSCLE-EYE-BRAIN DISEASE, POMT2-RELATED. Identifiers: Orphanet 588, Orphanet 899, MedGen C3150411, MONDO:0013154, OMIM 613150.

Allele frequency attached by ClinVar (database versions not stated): gnomAD 0.00002; TOPMed 0.00003.
gnomAD v4.1: 15 of 1,613,420 alleles (0.00093%); highest among the groups gnomAD compares: African/African-American, 0.0013%; no homozygotes.

Submissions (3):

Ambry Genetics
Classification: Likely benign for Inborn genetic diseases. Last evaluated: 2024-10-01. Review status: criteria provided, single submitter. Criteria: Ambry Variant Classification Scheme 2023. Collection method: clinical testing. Allele origin: germline.

Labcorp Genetics (formerly Invitae), Labcorp
Classification: Uncertain significance for Muscular dystrophy-dystroglycanopathy (congenital with impaired intellectual development), type B, 2; Muscular dystrophy-dystroglycanopathy (congenital with brain and eye anomalies), type A2; Autosomal recessive limb-girdle muscular dystrophy type 2N. Last evaluated: 2021-08-27. Review status: criteria provided, single submitter. Criteria: Invitae Variant Classification Sherloc (09022015). Collection method: clinical testing. Allele origin: germline.
Comment: This sequence change replaces valine with leucine at codon 643 of the POMT2 protein (p.Val643Leu). The valine residue is weakly conserved and there is a small physicochemical difference between valine and leucine. This variant is not present in population databases (ExAC no frequency). This variant has not been reported in the literature in individuals affected with POMT2-related conditions. ClinVar contains an entry for this variant (Variation ID: 546465). Algorithms developed to predict the effect of missense changes on protein structure and function output the following: SIFT: "Tolerated"; PolyPhen-2: "Benign"; Align-GVGD: "Class C0". The leucine amino acid residue is found in multiple mammalian species, which suggests that this missense change does not adversely affect protein function. In summary, the available evidence is currently insufficient to determine the role of this variant in disease. Therefore, it has been classified as a Variant of Uncertain Significance.

GeneDx
Classification: Uncertain significance. Last evaluated: 2018-05-24. Review status: criteria provided, single submitter. Criteria: GeneDx Variant Classification (06012015). Collection method: clinical testing. Allele origin: germline. Affected: yes.
Comment: The V643L variant has not been published as a pathogenic variant, nor has it been reported as a benign variant to our knowledge. The V643L variant is not observed in large population cohorts (Lek et al., 2016). This variant is a conservative amino acid substitution, which is not likely to impact secondary protein structure as these residues share similar properties. In-silico analyses, including protein predictors and evolutionary conservation, support that this variant does not alter protein structure/function.

NM_013382.7(POMT2):c.1927G>C (p.Val643Leu)

Gene: POMT2 (protein O-mannosyltransferase 2; minus strand). Cytogenetic location: 14q24.3.
Variant type: single nucleotide variant.
Coding change: c.1927G>C on transcript NM_013382.7 (MANE Select); coding-DNA position 1927, G replaced by C.
Protein change: p.Val643Leu; replaces valine 643 with leucine.
Molecular consequence: missense variant.
Genome position (GRCh38, 1-based): chr14:77,278,834, C>G on the plus strand (G>C on the coding strand, the complement: POMT2 is on the minus strand). VCF-style: chr14-77278834-C-G. GRCh37 (hg19) VCF-style: chr14-77745177-C-G.
Other names: short protein forms V643L.
Identifiers: ClinVar variation 546465 (VCV000546465.8), dbSNP rs966965226, ClinGen allele CA263817551.